The following is an entry in ClinVar:

NM_144643.4(SCLT1):c.1785G>A (p.Thr595=)

Gene: SCLT1 (sodium channel and clathrin linker 1; minus strand). Cytogenetic location: 4q28.2.
Variant type: single nucleotide variant.
Coding change: c.1785G>A on transcript NM_144643.4 (MANE Select); coding-DNA position 1785, G replaced by A.
Protein change: p.Thr595=; no amino-acid change (threonine 595 retained).
Molecular consequence: synonymous variant.
Genome position (GRCh38, 1-based): chr4:128,936,699, C>T on the plus strand (G>A on the coding strand, the complement: SCLT1 is on the minus strand). VCF-style: chr4-128936699-C-T. GRCh37 (hg19) VCF-style: chr4-129857854-C-T.
Other names: c.1785G>A (NM_144643.3).
Identifiers: ClinVar variation 1672977 (VCV001672977.9), dbSNP rs749447121, ClinGen allele CA3079523.

ClinVar aggregate classification (germline): Likely benign. Review status: criteria provided, multiple submitters, no conflicts (2 of 4 stars). 2 submissions from 2 submitters: Likely benign (2). Last evaluated 2025-07-28.

Conditions:
SCLT1-related disorder. Also called: SCLT1-related condition.

Allele frequency attached by ClinVar (database versions not stated): ExAC 0.00002; gnomAD 0.00002; gnomAD exomes 0.00003 and 0.00007.
gnomAD v4.1: 105 of 1,606,268 alleles (0.0065%); highest among the groups gnomAD compares: Middle Eastern, 0.083%; no homozygotes.

Submissions (2):

PreventionGenetics, part of Exact Sciences
Classification: Likely benign for SCLT1-related condition. Last evaluated: 2025-07-28. Review status: criteria provided, single submitter. Criteria: ACMG Guidelines, 2015. Collection method: clinical testing. Allele origin: germline.
Comment: This variant is classified as likely benign based on ACMG/AMP sequence variant interpretation guidelines (Richards et al. 2015 PMID: 25741868, with internal and published modifications).

Labcorp Genetics (formerly Invitae), Labcorp
Classification: Likely benign. Last evaluated: 2022-12-02. Review status: criteria provided, single submitter. Criteria: Invitae Variant Classification Sherloc (09022015). Collection method: clinical testing. Allele origin: germline.